The following is an entry in ClinVar:

NM_017838.4(NHP2):c.434A>T (p.Glu145Val)

Genes: NHP2 (NHP2 ribonucleoprotein; minus strand), RMND5B (required for meiotic nuclear division 5 homolog B; plus strand). Cytogenetic location: 5q35.3.
Variant type: single nucleotide variant.
Coding change: c.434A>T on transcript NM_017838.4 (MANE Select); coding-DNA position 434, A replaced by T.
Protein change: p.Glu145Val; replaces glutamic acid 145 with valine.
Molecular consequence: missense variant. On other transcripts: 3 prime UTR variant (5).
Genome position (GRCh38, 1-based): chr5:178,149,741, T>A on the plus strand (A>T on the coding strand, the complement: NHP2 is on the minus strand). VCF-style: chr5-178149741-T-A. GRCh37 (hg19) VCF-style: chr5-177576742-T-A.
Other names: c.*55A>T (NM_001034833.2, NM_001396110.1); c.*1709T>A (NM_001288794.2, NM_001288795.2, NM_022762.5); short protein forms E145V.
Identifiers: ClinVar variation 1484639 (VCV001484639.9), dbSNP rs143501297, ClinGen allele CA132927237.

ClinVar aggregate classification (germline): Uncertain significance. Review status: criteria provided, multiple submitters, no conflicts (2 of 4 stars). 2 submissions from 2 submitters: Uncertain significance (2). Last evaluated 2024-01-23.

Conditions:
Dyskeratosis congenita. Identifiers: Orphanet 1775, MedGen C0265965, MONDO:0015780.
Dyskeratosis congenita, autosomal recessive 2 (DKCB2). Identifiers: Orphanet 1775, MedGen C3151441, MONDO:0013519, OMIM 613987.

Allele frequency attached by ClinVar (database versions not stated): gnomAD 0.00001; TOPMed 0.00001.
gnomAD v4.1: 47 of 1,613,868 alleles (0.0029%); highest among the groups gnomAD compares: Non-Finnish European, 0.0039%; no homozygotes.

Submissions (2):

Fulgent Genetics
Classification: Uncertain significance for Dyskeratosis congenita, autosomal recessive 2. Last evaluated: 2024-01-23. Review status: criteria provided, single submitter. Criteria: ACMG Guidelines, 2015. Collection method: clinical testing. Allele origin: germline.

Labcorp Genetics (formerly Invitae), Labcorp
Classification: Uncertain significance for Dyskeratosis congenita. Last evaluated: 2022-08-19. Review status: criteria provided, single submitter. Criteria: Invitae Variant Classification Sherloc (09022015). Collection method: clinical testing. Allele origin: germline.
Comment: This sequence change replaces glutamic acid, which is acidic and polar, with valine, which is neutral and non-polar, at codon 145 of the NHP2 protein (p.Glu145Val). This variant is not present in population databases (gnomAD no frequency). This variant has not been reported in the literature in individuals affected with NHP2-related conditions. ClinVar contains an entry for this variant (Variation ID: 1484639). Algorithms developed to predict the effect of missense changes on protein structure and function are either unavailable or do not agree on the potential impact of this missense change (SIFT: "Deleterious"; PolyPhen-2: "Benign"; Align-GVGD: "Class C0"). In summary, the available evidence is currently insufficient to determine the role of this variant in disease. Therefore, it has been classified as a Variant of Uncertain Significance.